The following is an entry in ClinVar:

NM_000051.4(ATM):c.8269-1G>A

Genes: ATM (ATM serine/threonine kinase; plus strand), C11orf65 (chromosome 11 open reading frame 65; minus strand). Cytogenetic location: 11q22.3.
Variant type: single nucleotide variant.
Coding change: c.8269-1G>A on transcript NM_000051.4 (MANE Select); the canonical splice acceptor site of the intron before coding-DNA position 8269, G replaced by A.
Molecular consequence: splice acceptor variant. On other transcripts: intron variant (2).
Genome position (GRCh38, 1-based): chr11:108,343,221, G>A. VCF-style: chr11-108343221-G-A. GRCh37 (hg19) VCF-style: chr11-108213948-G-A.
Other names: c.8269-1G>A (NM_001351834.2); c.641-34150C>T (NM_001330368.2); c.695-7929C>T (NM_001351110.2).
Identifiers: ClinVar variation 2137244 (VCV002137244.5), dbSNP rs1565557607, ClinGen allele CA382516282.

ClinVar aggregate classification (germline): Pathogenic/Likely pathogenic. Review status: criteria provided, multiple submitters, no conflicts (2 of 4 stars). 3 submissions from 3 submitters: Pathogenic (2); Likely pathogenic (1). Last evaluated 2023-08-10.

Conditions:
Ataxia-telangiectasia syndrome (AT). Also called: ATAXIA-TELANGIECTASIA, COMPLEMENTATION GROUP A; ATAXIA-TELANGIECTASIA, FRESNO VARIANT; Ataxia-telangiectasia; Ataxia-telangiectasia, complementation group E; LOUIS-BAR SYNDROME; Cerebello-oculocutaneous telangiectasia. Identifiers: Orphanet 100, MedGen C0004135, MONDO:0008840, OMIM 208900.
Hereditary cancer-predisposing syndrome. Also called: Tumor predisposition; Hereditary Cancer Syndrome; Hereditary neoplastic syndrome; Neoplastic Syndromes, Hereditary. Identifiers: Orphanet 140162, MedGen C0027672, MeSH D009386, MONDO:0015356.
Familial cancer of breast. Also called: BREAST CANCER, FAMILIAL; hereditary breast carcinoma; Hereditary breast cancer. Identifiers: Orphanet 227535, MedGen C0346153, MONDO:0016419, OMIM 114480. Disease mechanism: loss of function.

Submissions (3):

Ambry Genetics
Classification: Pathogenic for Hereditary cancer-predisposing syndrome. Last evaluated: 2023-08-10. Review status: criteria provided, single submitter. Criteria: Ambry Variant Classification Scheme 2023. Collection method: clinical testing. Allele origin: germline.
Comment: The c.8269-1G>A intronic pathogenic mutation results from a G to A substitution one nucleotide upstream from coding exon 56 of the ATM gene. Alterations that disrupt the canonical splice site are expected to result in aberrant splicing. In silico splice site analysis predicts that this alteration will weaken the native splice acceptor site. The resulting transcript is predicted to be in-frame and is not expected to trigger nonsense-mediated mRNAdecay; however, direct evidence is unavailable. The exact functional effect of the altered amino acid sequence is unknown; however, the impacted region is critical for protein function (Ambry internal data). This variant has been confirmed in trans with an ATM pathogenic variant in an individual diagnosed with ataxia telangiectasia (Huang Y et al. Neuromolecular Med, 2013 Sep;15:536-40). This variant is considered to be rare based on population cohorts in the Genome Aggregation Database (gnomAD). This nucleotide position is highly conserved in available vertebrate species. Based on the supporting evidence, this alteration is interpreted as a disease-causing mutation.

Myriad Genetics, Inc.
Classification: Likely pathogenic for Familial cancer of breast. Last evaluated: 2023-06-01. Review status: criteria provided, single submitter. Criteria: Myriad Autosomal Dominant, Autosomal Recessive and X-Linked Classification Criteria (2023). Collection method: clinical testing. Allele origin: unknown.
Comment: This variant is considered likely pathogenic. This variant occurs within a consensus splice junction and is predicted to result in abnormal mRNA splicing of either an out-of-frame exon or an in-frame exon necessary for protein stability and/or normal function.

Labcorp Genetics (formerly Invitae), Labcorp
Classification: Pathogenic for Ataxia-telangiectasia syndrome. Last evaluated: 2022-07-30. Review status: criteria provided, single submitter. Criteria: Invitae Variant Classification Sherloc (09022015). Collection method: clinical testing. Allele origin: germline.
Comment: This sequence change affects an acceptor splice site in intron 56 of the ATM gene. It is expected to disrupt RNA splicing. Variants that disrupt the donor or acceptor splice site typically lead to a loss of protein function (PMID: 16199547), and loss-of-function variants in ATM are known to be pathogenic (PMID: 23807571, 25614872). This variant is not present in population databases (gnomAD no frequency). Disruption of this splice site has been observed in individual(s) with ataxia-telangiectasia (PMID: 23807571). In at least one individual the data is consistent with being in trans (on the opposite chromosome) from a pathogenic variant. Algorithms developed to predict the effect of sequence changes on RNA splicing suggest that this variant may disrupt the consensus splice site. For these reasons, this variant has been classified as Pathogenic.

Literature cited by the submitters: PubMed 23807571 (cited by Ambry Genetics and Labcorp Genetics (formerly Invitae), Labcorp); PubMed 16199547 (cited by Labcorp Genetics (formerly Invitae), Labcorp); PubMed 25614872 (cited by Labcorp Genetics (formerly Invitae), Labcorp).